The following is an entry in ClinVar:

ClinVar aggregate classification (germline): Uncertain significance (1 of 4 stars; one submission).

Conditions:
3-methylglutaconic aciduria with deafness, encephalopathy, and Leigh-like syndrome (MEGDEL). Also called: 3-METHYLGLUTACONIC ACIDURIA, TYPE VI; SERAC1 Deficiency; MEGDEL syndrome. Identifiers: Orphanet 352328, MedGen C4040739, MONDO:0013875, OMIM 614739.

Allele frequency attached by ClinVar (database versions not stated): gnomAD 0.00001; gnomAD exomes 0.00001; TOPMed 0.00001.
gnomAD v4.1: 21 of 1,598,422 alleles (0.0013%); highest among the groups gnomAD compares: African/African-American, 0.019%; 1 homozygote.

Submission:

Labcorp Genetics (formerly Invitae), Labcorp
Classification: Uncertain significance for 3-methylglutaconic aciduria with deafness, encephalopathy, and Leigh-like syndrome. Last evaluated: 2022-06-01. Review status: criteria provided, single submitter. Criteria: Invitae Variant Classification Sherloc (09022015). Collection method: clinical testing. Allele origin: germline.
Comment: This sequence change replaces glutamic acid, which is acidic and polar, with glycine, which is neutral and non-polar, at codon 51 of the SERAC1 protein (p.Glu51Gly). This variant is not present in population databases (gnomAD no frequency). This variant has not been reported in the literature in individuals affected with SERAC1-related conditions. Algorithms developed to predict the effect of missense changes on protein structure and function are either unavailable or do not agree on the potential impact of this missense change (SIFT: "Tolerated"; PolyPhen-2: "Possibly Damaging"; Align-GVGD: "Class C0"). In summary, the available evidence is currently insufficient to determine the role of this variant in disease. Therefore, it has been classified as a Variant of Uncertain Significance.

NM_032861.4(SERAC1):c.152A>G (p.Glu51Gly)

Gene: SERAC1 (serine active site containing 1; minus strand). Cytogenetic location: 6q25.3.
Variant type: single nucleotide variant.
Coding change: c.152A>G on transcript NM_032861.4 (MANE Select); coding-DNA position 152, A replaced by G.
Protein change: p.Glu51Gly; replaces glutamic acid 51 with glycine.
Molecular consequence: missense variant. On other transcripts: non-coding transcript variant (1).
Genome position (GRCh38, 1-based): chr6:158,150,566, T>C on the plus strand (A>G on the coding strand, the complement: SERAC1 is on the minus strand). VCF-style: chr6-158150566-T-C. GRCh37 (hg19) VCF-style: chr6-158571598-T-C.
Other names: short protein forms E51G.
Identifiers: ClinVar variation 2420594 (VCV002420594.2), dbSNP rs566879604, ClinGen allele CA150949592.